The following is an entry in ClinVar:

NM_000368.5(TSC1):c.2378G>A (p.Ser793Asn)

Gene: TSC1 (TSC complex subunit 1; minus strand). Cytogenetic location: 9q34.13.
Variant type: single nucleotide variant.
Coding change: c.2378G>A on transcript NM_000368.5 (MANE Select); coding-DNA position 2378, G replaced by A.
Protein change: p.Ser793Asn; replaces serine 793 with asparagine.
Molecular consequence: missense variant.
Genome position (GRCh38, 1-based): chr9:132,902,618, C>T on the plus strand (G>A on the coding strand, the complement: TSC1 is on the minus strand). VCF-style: chr9-132902618-C-T. GRCh37 (hg19) VCF-style: chr9-135778005-C-T.
Other names: c.2375G>A, p.Ser792Asn (NM_001162426.2); c.2225G>A, p.Ser742Asn (NM_001162427.2); c.2015G>A, p.Ser672Asn (NM_001362177.2); short protein forms S742N, S792N, S672N, S793N.
Identifiers: ClinVar variation 1460675 (VCV001460675.8), dbSNP rs2131728548, ClinGen allele CA375359125.

ClinVar aggregate classification (germline): Conflicting classifications of pathogenicity. Review status: criteria provided, conflicting classifications (1 of 4 stars). 2 submissions from 2 submitters: Uncertain significance (1); Likely benign (1). Last evaluated 2026-07-09.

Conditions:
Tuberous sclerosis 1 (TSC1). Identifiers: Orphanet 805, MedGen C1854465, MONDO:0008612, OMIM 191100.
Hereditary cancer-predisposing syndrome. Also called: Hereditary Cancer Syndrome; Tumor predisposition; Neoplastic Syndromes, Hereditary; Hereditary neoplastic syndrome. Identifiers: Orphanet 140162, MedGen C0027672, MeSH D009386, MONDO:0015356.

Submissions (2):

Ambry Genetics
Classification: Likely benign for Hereditary cancer-predisposing syndrome. Last evaluated: 2026-07-09. Review status: criteria provided, single submitter. Criteria: Ambry Variant Classification Scheme 2023. Collection method: clinical testing. Allele origin: germline.

Labcorp Genetics (formerly Invitae), Labcorp
Classification: Uncertain significance for Tuberous sclerosis 1. Last evaluated: 2021-08-31. Review status: criteria provided, single submitter. Criteria: Invitae Variant Classification Sherloc (09022015). Collection method: clinical testing. Allele origin: germline.
Comment: This sequence change replaces serine with asparagine at codon 793 of the TSC1 protein (p.Ser793Asn). The serine residue is moderately conserved and there is a small physicochemical difference between serine and asparagine. This variant is not present in population databases (ExAC no frequency). This variant has not been reported in the literature in individuals affected with TSC1-related conditions. Algorithms developed to predict the effect of missense changes on protein structure and function (SIFT, PolyPhen-2, Align-GVGD) all suggest that this variant is likely to be tolerated. In summary, the available evidence is currently insufficient to determine the role of this variant in disease. Therefore, it has been classified as a Variant of Uncertain Significance.